The following is an entry in ClinVar:

ClinVar aggregate classification (germline): Uncertain significance. Review status: criteria provided, multiple submitters, no conflicts (2 of 4 stars). 2 submissions from 2 submitters: Uncertain significance (2). Last evaluated 2026-01-04.

Allele frequency attached by ClinVar (database versions not stated): gnomAD exomes below 0.00001; ExAC 0.00001; gnomAD 0.00001.

Submissions (2):

Labcorp Genetics (formerly Invitae), Labcorp
Classification: Uncertain significance. Last evaluated: 2026-01-04. Review status: criteria provided, single submitter. Criteria: Invitae Variant Classification Sherloc (09022015). Collection method: clinical testing. Allele origin: germline.
Comment: This variant, c.233_234insGGC, results in the insertion of 1 amino acid(s) of the RNF13 protein (p.Glu78_Pro79insAla), but otherwise preserves the integrity of the reading frame. This variant is not present in population databases (gnomAD no frequency). This variant has not been reported in the literature in individuals affected with RNF13-related conditions. ClinVar contains an entry for this variant (Variation ID: 2177737). In summary, the available evidence is currently insufficient to determine the role of this variant in disease. Therefore, it has been classified as a Variant of Uncertain Significance.

Blueprint Genetics
Classification: Uncertain significance. Last evaluated: 2024-02-20. Review status: criteria provided, single submitter. Criteria: ACMG Guidelines, 2015. Collection method: clinical testing. Allele origin: germline.

NM_183381.3(RNF13):c.233_234insGGC (p.Glu78_Pro79insAla)

Gene: RNF13 (ring finger protein 13; plus strand). Cytogenetic location: 3q25.1.
Variant type: Insertion.
Coding change: c.233_234insGGC on transcript NM_183381.3 (MANE Select); coding-DNA positions 233 to 234, GGC inserted.
Protein change: p.Glu78_Pro79insAla.
Molecular consequence: inframe insertion. On other transcripts: 5 prime UTR variant (6), non-coding transcript variant (1).
Genome position: GRCh38 VCF-style: chr3-149872066-A-AGGC. GRCh37 (hg19) VCF-style: chr3-149589853-A-AGGC.
Other names: c.233_234insGGC, p.Glu78_Pro79insAla (NM_001378285.1, NM_001378286.1, NM_007282.4); c.-135_-134insGGC (NM_001378287.1, NM_001378288.1, NM_001378289.1 and 2 more transcripts); c.-161_-160insGGC (NM_001378291.1).
Identifiers: ClinVar variation 2177737 (VCV002177737.5), dbSNP rs759619635, ClinGen allele CA2662935.
Genomic context (GRCh38, chr3:149,872,066, plus strand): 5'-AATTTTTACCAATTCTTTTTCAGGGTTTTTTGATTAACTCAAAACCAGAGAATGCCTGTG[A>AGGC]ACCCATAGTGCCTCCACCAGTAAAAGACAATTCATCTGGCACTTTCATCGTGTTAATTAG-3'